The following is an entry in ClinVar:

ClinVar aggregate classification (germline): Likely benign. Review status: criteria provided, multiple submitters, no conflicts (2 of 4 stars). 2 submissions from 2 submitters: Likely benign (2). Last evaluated 2018-06-19.

Allele frequency attached by ClinVar (database versions not stated): 1000 Genomes Project 0.03894; gnomAD 0.04077 and 0.04113; 1000 Genomes Project 30x 0.04079; TOPMed 0.04224; gnomAD exomes 0.04728.
gnomAD v4.1: 45,323 of 973,419 alleles (4.7%); highest among the groups gnomAD compares: Middle Eastern, 6.3%; 825 homozygotes.

Submissions (2):

GeneDx
Classification: Likely benign. Last evaluated: 2018-06-19. Review status: criteria provided, single submitter. Criteria: GeneDx Variant Classification (06012015). Collection method: clinical testing. Allele origin: germline. Affected: yes.
Comment: This variant is considered likely benign or benign based on one or more of the following criteria: it is a conservative change, it occurs at a poorly conserved position in the protein, it is predicted to be benign by multiple in silico algorithms, and/or has population frequency not consistent with disease.

Breakthrough Genomics
Classification: Likely benign. Review status: criteria provided, single submitter. Criteria: ACMG Guidelines, 2015. Collection method: not provided. Allele origin: germline. Inheritance: X-linked inheritance. Affected: yes.

NM_004006.3(DMD):c.1483-67A>T

Gene: DMD (dystrophin; minus strand). Cytogenetic location: Xp21.1.
Variant type: single nucleotide variant.
Coding change: c.1483-67A>T on transcript NM_004006.3 (MANE Select); 67 bases into the intron before coding-DNA position 1483, A replaced by T.
Molecular consequence: intron variant.
Genome position (GRCh38, 1-based): chrX:32,595,943, T>A on the plus strand (A>T on the coding strand, the complement: DMD is on the minus strand). VCF-style: chrX-32595943-T-A. GRCh37 (hg19) VCF-style: chrX-32614060-T-A.
Other names: c.1459-67A>T (NM_000109.4); c.1471-67A>T (NM_004009.3); c.1114-67A>T (NM_004010.3).
Identifiers: ClinVar variation 671395 (VCV000671395.2), dbSNP rs1435727, ClinGen allele CA328537375.